The following is an entry in ClinVar:

ClinVar aggregate classification (germline): Likely benign. Review status: criteria provided, multiple submitters, no conflicts (2 of 4 stars). 7 submissions from 7 submitters: Likely benign (6). 1 of the submissions does not count toward it. Last evaluated 2025-03-31.

Conditions:
CACNA1C-related disorder. Also called: CACNA1C-related condition; CACNA1C-related disorders. Identifiers: MedGen CN381092, MONDO:0700321.
Cardiovascular phenotype. Identifiers: MedGen CN230736.
Long QT syndrome (LQTS). Identifiers: MedGen C0023976, MeSH D008133, MONDO:0002442. Disease mechanism: loss of function. Inheritance: Various modes of inheritance.

Allele frequency attached by ClinVar (database versions not stated): gnomAD exomes 0.00003 and 0.00008; ExAC 0.00006; TOPMed 0.00006; gnomAD 0.00007.
gnomAD v4.1: 142 of 1,594,360 alleles (0.0089%); highest among the groups gnomAD compares: Non-Finnish European, 0.011%; no homozygotes.

Submissions (7):

Labcorp Genetics (formerly Invitae), Labcorp
Classification: Likely benign for Long QT syndrome. Last evaluated: 2025-03-31. Review status: criteria provided, single submitter. Criteria: Invitae Variant Classification Sherloc (09022015). Collection method: clinical testing. Allele origin: germline.

Blueprint Genetics
Classification: Likely benign. Last evaluated: 2023-11-01. Review status: criteria provided, single submitter. Criteria: ACMG Guidelines, 2015. Collection method: clinical testing. Allele origin: germline.

Women's Health and Genetics/Laboratory Corporation of America, LabCorp
Classification: Likely benign. Last evaluated: 2023-05-06. Review status: criteria provided, single submitter. Criteria: LabCorp Variant Classification Summary - May 2015. Collection method: clinical testing. Allele origin: germline.

CeGaT Center for Human Genetics Tuebingen
Classification: Likely benign. Last evaluated: 2023-03-01. Review status: criteria provided, single submitter. Criteria: CeGaT Center For Human Genetics Tuebingen Variant Classification Criteria Version 2. Collection method: clinical testing. Allele origin: germline. Affected: yes. Observed: 1 variant allele.
Comment: CACNA1C: BP4, BP7

Ambry Genetics
Classification: Likely benign for Cardiovascular phenotype. Last evaluated: 2020-06-29. Review status: criteria provided, single submitter. Criteria: Ambry Variant Classification Scheme 2023. Collection method: clinical testing. Allele origin: germline.

GeneDx
Classification: Likely benign. Last evaluated: 2019-12-10. Review status: criteria provided, single submitter. Criteria: GeneDx Variant Classification Process June 2021. Collection method: clinical testing. Allele origin: germline. Affected: yes.

PreventionGenetics, part of Exact Sciences
Classification: Likely benign for CACNA1C-related condition. Last evaluated: 2021-02-08. Review status: no assertion criteria provided. Collection method: clinical testing. Allele origin: germline. Not counted in ClinVar's aggregate classification.
Comment: This variant is classified as likely benign based on ACMG/AMP sequence variant interpretation guidelines (Richards et al. 2015 PMID: 25741868, with internal and published modifications).

NM_000719.7(CACNA1C):c.135C>G (p.Thr45=)

Gene: CACNA1C (calcium voltage-gated channel subunit alpha1 C; plus strand). Cytogenetic location: 12p13.33.
Variant type: single nucleotide variant.
Coding change: c.135C>G on transcript NM_000719.7 (MANE Select); coding-DNA position 135, C replaced by G.
Protein change: p.Thr45=; no amino-acid change (threonine 45 retained).
Molecular consequence: synonymous variant.
Genome position (GRCh38, 1-based): chr12:2,115,309, C>G. VCF-style: chr12-2115309-C-G. GRCh37 (hg19) VCF-style: chr12-2224475-C-G.
Other names: c.135C>G, p.Thr45= (NM_001129827.2, NM_001129829.2, NM_001129830.3 and 19 more transcripts).
Identifiers: ClinVar variation 377601 (VCV000377601.46), dbSNP rs749123185, ClinGen allele CA6388394.